The following is an entry in ClinVar:

ClinVar aggregate classification (germline): Uncertain significance (1 of 4 stars; one submission).

Submission:

GeneDx
Classification: Uncertain significance. Last evaluated: 2025-06-01. Review status: criteria provided, single submitter. Criteria: GeneDx Variant Classification Process June 2021. Collection method: clinical testing. Allele origin: germline. Affected: yes.
Comment: Not observed at significant frequency in large population cohorts (gnomAD); In silico analysis supports that this missense variant has a deleterious effect on protein structure/function; Has not been previously published as pathogenic or benign to our knowledge

NM_001039469.3(MARK2):c.248T>A (p.Ile83Asn)

Gene: MARK2 (microtubule affinity regulating kinase 2; plus strand). Cytogenetic location: 11q13.1.
Variant type: single nucleotide variant.
Coding change: c.248T>A on transcript NM_001039469.3 (MANE Select); coding-DNA position 248, T replaced by A.
Protein change: p.Ile83Asn; replaces isoleucine 83 with asparagine.
Molecular consequence: missense variant.
Genome position (GRCh38, 1-based): chr11:63,895,593, T>A. VCF-style: chr11-63895593-T-A. GRCh37 (hg19) VCF-style: chr11-63663065-T-A.
Other names: c.248T>A, p.Ile83Asn (NM_001163296.2, NM_001163297.2, NM_004954.5); c.149T>A, p.Ile50Asn (NM_017490.4); short protein forms I50N, I83N.
Identifiers: ClinVar variation 4532392 (VCV004532392.1).